The following is an entry in ClinVar:

NM_021222.3(PRUNE1):c.205A>G (p.Ile69Val)

Gene: PRUNE1 (prune exopolyphosphatase 1; plus strand). Cytogenetic location: 1q21.3.
Variant type: single nucleotide variant.
Coding change: c.205A>G on transcript NM_021222.3 (MANE Select); coding-DNA position 205, A replaced by G.
Protein change: p.Ile69Val; replaces isoleucine 69 with valine.
Molecular consequence: missense variant. On other transcripts: 5 prime UTR variant (1), intron variant (1).
Genome position (GRCh38, 1-based): chr1:151,018,539, A>G. VCF-style: chr1-151018539-A-G. GRCh37 (hg19) VCF-style: chr1-150991015-A-G.
Other names: c.205A>G, p.Ile69Val (NM_001303242.2); c.-55A>G (NM_001303243.2); c.-212+635A>G (NM_001303229.2); short protein forms I69V.
Identifiers: ClinVar variation 4779935 (VCV004779935.1).

ClinVar aggregate classification (germline): Uncertain significance (1 of 4 stars; one submission).

gnomAD v4.1: 2 of 1,613,726 alleles (0.00012%); highest among the groups gnomAD compares: Non-Finnish European, 0.00017%; no homozygotes.

Submission:

Labcorp Genetics (formerly Invitae), Labcorp
Classification: Uncertain significance. Last evaluated: 2025-12-17. Review status: criteria provided, single submitter. Criteria: Invitae Variant Classification Sherloc (09022015). Collection method: clinical testing. Allele origin: germline.
Comment: This sequence change replaces isoleucine, which is neutral and non-polar, with valine, which is neutral and non-polar, at codon 69 of the PRUNE1 protein (p.Ile69Val). This variant is present in population databases (rs757172078, gnomAD 0.0009%). This variant has not been reported in the literature in individuals affected with PRUNE1-related conditions. Invitae Evidence Modeling of protein sequence and biophysical properties (such as structural, functional, and spatial information, amino acid conservation, physicochemical variation, residue mobility, and thermodynamic stability) indicates that this missense variant is not expected to disrupt PRUNE1 protein function with a negative predictive value of 80%. In summary, the available evidence is currently insufficient to determine the role of this variant in disease. Therefore, it has been classified as a Variant of Uncertain Significance.